The following is an entry in ClinVar:

ClinVar aggregate classification (germline): Uncertain significance (1 of 4 stars; one submission).

Submission:

GeneDx
Classification: Uncertain significance. Last evaluated: 2022-06-17. Review status: criteria provided, single submitter. Criteria: GeneDx Variant Classification Process June 2021. Collection method: clinical testing. Allele origin: germline. Affected: yes.
Comment: Not observed at significant frequency in large population cohorts (gnomAD); In silico analysis supports that this missense variant has a deleterious effect on protein structure/function; Has not been previously published as pathogenic or benign to our knowledge

NM_000666.3(ACY1):c.481C>G (p.Arg161Gly)

Genes: ABHD14A-ACY1 (ABHD14A-ACY1 readthrough; plus strand), ACY1 (aminoacylase 1; plus strand). Cytogenetic location: 3p21.2.
Variant type: single nucleotide variant.
Coding change: c.481C>G on transcript NM_000666.3 (MANE Select); coding-DNA position 481, C replaced by G.
Protein change: p.Arg161Gly; replaces arginine 161 with glycine.
Molecular consequence: missense variant. On other transcripts: intron variant (1).
Genome position (GRCh38, 1-based): chr3:51,986,459, C>G. VCF-style: chr3-51986459-C-G. GRCh37 (hg19) VCF-style: chr3-52020475-C-G.
Other names: c.751C>G, p.Arg251Gly (NM_001316331.2); c.481C>G, p.Arg161Gly (NM_001198895.2, NM_001198897.2); c.376C>G, p.Arg126Gly (NM_001198898.2); c.311-146C>G (NM_001198896.2); short protein forms R126G, R161G, R251G.
Identifiers: ClinVar variation 1804212 (VCV001804212.1), dbSNP rs775409508, ClinGen allele CA353089362.
Genomic context (GRCh38, chr3:51,986,459, plus strand): 5'-CCTGCTGCTTTTACAGATGAGGAGGTTGGGGGTCACCAAGGCATGGAGCTGTTCGTGCAG[C>G]GGCCTGAGTTCCACGCCCTGAGGGCAGGCTTTGCCCTGGATGAGGGTGAGCAGGTTGGCA-3'
Protein context (NP_000657.1, residues 151-171): GHQGMELFVQ[Arg161Gly]PEFHALRAGF